The following is an entry in ClinVar:

NM_020338.4(ZMIZ1):c.1714G>A (p.Val572Met)

Gene: ZMIZ1 (zinc finger MIZ-type containing 1; plus strand). Cytogenetic location: 10q22.3.
Variant type: single nucleotide variant.
Coding change: c.1714G>A on transcript NM_020338.4 (MANE Select); coding-DNA position 1714, G replaced by A.
Protein change: p.Val572Met; replaces valine 572 with methionine.
Molecular consequence: missense variant.
Genome position (GRCh38, 1-based): chr10:79,299,097, G>A. VCF-style: chr10-79299097-G-A. GRCh37 (hg19) VCF-style: chr10-81058854-G-A.
Other names: c.1714G>A (NM_020338.3); short protein forms V572M.
Identifiers: ClinVar variation 2200190 (VCV002200190.5), dbSNP rs765239404, ClinGen allele CA5572782.

ClinVar aggregate classification (germline): Conflicting classifications of pathogenicity. Review status: criteria provided, conflicting classifications (1 of 4 stars). 2 submissions from 2 submitters: Uncertain significance (1); Likely benign (1). Last evaluated 2025-10-24.

Conditions:
Inborn genetic diseases. Identifiers: MedGen C0950123, MeSH D030342.

Allele frequency attached by ClinVar (database versions not stated): gnomAD 0.00002; gnomAD exomes 0.00003; TOPMed 0.00003; ExAC 0.00008.
gnomAD v4.1: 48 of 1,612,526 alleles (0.003%); highest among the groups gnomAD compares: East Asian, 0.018%; no homozygotes.

Submissions (2):

Ambry Genetics
Classification: Likely benign for Inborn genetic diseases. Last evaluated: 2025-10-24. Review status: criteria provided, single submitter. Criteria: Ambry Variant Classification Scheme 2023. Collection method: clinical testing. Allele origin: germline.

Labcorp Genetics (formerly Invitae), Labcorp
Classification: Uncertain significance. Last evaluated: 2022-09-13. Review status: criteria provided, single submitter. Criteria: Invitae Variant Classification Sherloc (09022015). Collection method: clinical testing. Allele origin: germline.
Comment: This sequence change replaces valine, which is neutral and non-polar, with methionine, which is neutral and non-polar, at codon 572 of the ZMIZ1 protein (p.Val572Met). This variant is present in population databases (rs765239404, gnomAD 0.03%). This variant has not been reported in the literature in individuals affected with ZMIZ1-related conditions. Advanced modeling of protein sequence and biophysical properties (such as structural, functional, and spatial information, amino acid conservation, physicochemical variation, residue mobility, and thermodynamic stability) performed at Invitae indicates that this missense variant is expected to disrupt ZMIZ1 protein function. In summary, the available evidence is currently insufficient to determine the role of this variant in disease. Therefore, it has been classified as a Variant of Uncertain Significance.